The following is an entry in ClinVar:

ClinVar aggregate classification (germline): Uncertain significance (1 of 4 stars; one submission).

Conditions:
SEMA3G-related disorder. Also called: SEMA3G-related condition.

gnomAD v4.1: 2 of 1,614,014 alleles (0.00012%); highest among the groups gnomAD compares: Admixed American, 0.0033%; no homozygotes.

Submission:

PreventionGenetics, part of Exact Sciences
Classification: Uncertain significance for SEMA3G-related condition. Last evaluated: 2025-11-24. Review status: criteria provided, single submitter. Criteria: ACMG Guidelines, 2015. Collection method: clinical testing. Allele origin: germline.
Comment: The SEMA3G c.2032C>A variant is predicted to result in the amino acid substitution p.Gln678Lys. To our knowledge, this variant has not been reported in the literature. This variant is reported in 0.0058% of alleles in individuals of Latino descent in gnomAD. At this time, the clinical significance of this variant is uncertain due to the absence of conclusive functional and genetic evidence.

NM_020163.3(SEMA3G):c.2032C>A (p.Gln678Lys)

Gene: SEMA3G (semaphorin 3G; minus strand). Cytogenetic location: 3p21.1.
Variant type: single nucleotide variant.
Coding change: c.2032C>A on transcript NM_020163.3 (MANE Select); coding-DNA position 2032, C replaced by A.
Protein change: p.Gln678Lys; replaces glutamine 678 with lysine.
Molecular consequence: missense variant.
Genome position (GRCh38, 1-based): chr3:52,435,920, G>T on the plus strand (C>A on the coding strand, the complement: SEMA3G is on the minus strand). VCF-style: chr3-52435920-G-T. GRCh37 (hg19) VCF-style: chr3-52469936-G-T.
Other names: short protein forms Q678K.
Identifiers: ClinVar variation 4997772 (VCV004997772.1).